The following is an entry in ClinVar:

ClinVar aggregate classification (germline): Uncertain significance (1 of 4 stars; one submission).

Conditions:
Zellweger spectrum disorders (ZS). Also called: Zellweger Spectrum Disorder (ZSD); Zellweger syndrome; Zellweger Spectrum Disorder; Zellweger Spectrum. Identifiers: Orphanet 912, MedGen C0043459, MONDO:0019609.

Submission:

Labcorp Genetics (formerly Invitae), Labcorp
Classification: Uncertain significance for Zellweger spectrum disorders. Last evaluated: 2022-06-13. Review status: criteria provided, single submitter. Criteria: Invitae Variant Classification Sherloc (09022015). Collection method: clinical testing. Allele origin: germline.
Comment: In summary, the available evidence is currently insufficient to determine the role of this variant in disease. Therefore, it has been classified as a Variant of Uncertain Significance. Algorithms developed to predict the effect of missense changes on protein structure and function are either unavailable or do not agree on the potential impact of this missense change (SIFT: "Tolerated"; PolyPhen-2: "Possibly Damaging"; Align-GVGD: "Class C0"). This variant has not been reported in the literature in individuals affected with PEX1-related conditions. This variant is not present in population databases (gnomAD no frequency). This sequence change replaces leucine, which is neutral and non-polar, with phenylalanine, which is neutral and non-polar, at codon 889 of the PEX1 protein (p.Leu889Phe).

NM_000466.3(PEX1):c.2667A>T (p.Leu889Phe)

Gene: PEX1 (peroxisomal biogenesis factor 1; minus strand). Cytogenetic location: 7q21.2.
Variant type: single nucleotide variant.
Coding change: c.2667A>T on transcript NM_000466.3 (MANE Select); coding-DNA position 2667, A replaced by T.
Protein change: p.Leu889Phe; replaces leucine 889 with phenylalanine.
Molecular consequence: missense variant.
Genome position (GRCh38, 1-based): chr7:92,499,755, T>A on the plus strand (A>T on the coding strand, the complement: PEX1 is on the minus strand). VCF-style: chr7-92499755-T-A. GRCh37 (hg19) VCF-style: chr7-92129069-T-A.
Other names: c.2496A>T, p.Leu832Phe (NM_001282677.2); c.2043A>T, p.Leu681Phe (NM_001282678.2); short protein forms L681F, L832F, L889F.
Identifiers: ClinVar variation 1363178 (VCV001363178.8), dbSNP rs2116132673, ClinGen allele CA368173661.